The following is an entry in ClinVar:

ClinVar aggregate classification (germline): Uncertain significance. Review status: criteria provided, multiple submitters, no conflicts (2 of 4 stars). 2 submissions from 2 submitters: Uncertain significance (2). Last evaluated 2022-07-19.

Conditions:
Loeys-Dietz syndrome 2 (LDS2). Also called: Marfan Syndrome type 2; Marfan like connective tissue disorder; MFS 2; Marfan syndrome, type 2 (formerly); AORTIC ANEURYSM, FAMILIAL THORACIC 3; MARFAN SYNDROME, TYPE II. Identifiers: Orphanet 284973, Orphanet 558, MedGen C2674574, MONDO:0012427, OMIM 610168.

Submissions (2):

Labcorp Genetics (formerly Invitae), Labcorp
Classification: Uncertain significance for Loeys-Dietz syndrome 2. Last evaluated: 2022-07-19. Review status: criteria provided, single submitter. Criteria: Invitae Variant Classification Sherloc (09022015). Collection method: clinical testing. Allele origin: germline.
Comment: The frequency data for this variant in the population databases is considered unreliable, as metrics indicate poor data quality at this position in the gnomAD database. This sequence change creates a premature translational stop signal (p.Glu504Lysfs*33) in the TMPO gene. While this is not anticipated to result in nonsense mediated decay, it is expected to disrupt the last 191 amino acid(s) of the TMPO protein. This variant has not been reported in the literature in individuals affected with TMPO-related conditions. ClinVar contains an entry for this variant (Variation ID: 1213133). In summary, the available evidence is currently insufficient to determine the role of this variant in disease. Therefore, it has been classified as a Variant of Uncertain Significance. Experimental studies and prediction algorithms are not available or were not evaluated, and the functional significance of this variant is currently unknown.

GeneDx
Classification: Uncertain significance. Last evaluated: 2019-08-26. Review status: criteria provided, single submitter. Criteria: GeneDx Variant Classification Process June 2021. Collection method: clinical testing. Allele origin: germline. Affected: yes.
Comment: Has not been previously published as pathogenic or benign to our knowledge; Frameshift variant predicted to result in protein truncation in a gene for which loss-of-function is not a known mechanism of disease

NM_001032283.3(TMPO):c.565+1928del

Gene: TMPO (thymopoietin; plus strand). Cytogenetic location: 12q23.1.
Variant type: Deletion.
Coding change: c.565+1928del on transcript NM_001032283.3 (MANE Select); 1928 bases into the intron after coding-DNA position 565, one base deleted (A; older notation c.565+1928delA).
Molecular consequence: intron variant. On other transcripts: frameshift variant (1).
Genome position (GRCh38, 1-based): chr12:98,533,766, A deleted; the last of 2 consecutive A bases (chr12:98,533,765-98,533,766); deleting either gives the same sequence. VCF-style (leftmost placement, unchanged base first): chr12-98533764-GA-G. GRCh37 (hg19) VCF-style: chr12-98927542-GA-G.
Other names: c.1509del, p.Glu504fs (NM_003276.2); c.565+1928del (NM_001307975.2, NM_001032284.3); short protein forms E504fs.
Identifiers: ClinVar variation 1213133 (VCV001213133.9), dbSNP rs1442448525, ClinGen allele CA607144887.
Genomic context (GRCh38, chr12:98,533,764, plus strand): 5'-GATAAAATAGATGCCTCAGAACTATCTTTTCCCTTCCATGAATCTATTTTAAAAGTAATT[GA>G]AGAAGAATGGCAGCAAGTTGACAGGCAGCTGCCTTCACTGGCATGCAAATATCCAGTTTC-3'